The following is an entry in ClinVar:

NM_145200.5(CABP4):c.65C>T (p.Pro22Leu)

Gene: CABP4 (calcium binding protein 4; plus strand). Cytogenetic location: 11q13.2.
Variant type: single nucleotide variant.
Coding change: c.65C>T on transcript NM_145200.5 (MANE Select); coding-DNA position 65, C replaced by T.
Protein change: p.Pro22Leu; replaces proline 22 with leucine.
Molecular consequence: missense variant. On other transcripts: 5 prime UTR variant (2), non-coding transcript variant (1), intron variant (1).
Genome position (GRCh38, 1-based): chr11:67,455,488, C>T. VCF-style: chr11-67455488-C-T. GRCh37 (hg19) VCF-style: chr11-67222959-C-T.
Other names: c.-319C>T (NM_001300895.3); c.-333C>T (NM_001379183.1); c.-112-221C>T (NM_001300896.3); short protein forms P22L.
Identifiers: ClinVar variation 1522473 (VCV001522473.8), dbSNP rs1347123314, ClinGen allele CA381526648.

ClinVar aggregate classification (germline): Uncertain significance (1 of 4 stars; one submission).

Allele frequency attached by ClinVar (database versions not stated): gnomAD exomes below 0.00001; gnomAD 0.00001.
gnomAD v4.1: 2 of 1,608,734 alleles (0.00012%); highest among the groups gnomAD compares: African/African-American, 0.0013%; no homozygotes.

Submission:

Labcorp Genetics (formerly Invitae), Labcorp
Classification: Uncertain significance. Last evaluated: 2022-09-12. Review status: criteria provided, single submitter. Criteria: Invitae Variant Classification Sherloc (09022015). Collection method: clinical testing. Allele origin: germline.
Comment: In summary, the available evidence is currently insufficient to determine the role of this variant in disease. Therefore, it has been classified as a Variant of Uncertain Significance. Advanced modeling of protein sequence and biophysical properties (such as structural, functional, and spatial information, amino acid conservation, physicochemical variation, residue mobility, and thermodynamic stability) performed at Invitae indicates that this missense variant is not expected to disrupt CABP4 protein function. ClinVar contains an entry for this variant (Variation ID: 1522473). This variant has not been reported in the literature in individuals affected with CABP4-related conditions. This variant is present in population databases (no rsID available, gnomAD 0.001%). This sequence change replaces proline, which is neutral and non-polar, with leucine, which is neutral and non-polar, at codon 22 of the CABP4 protein (p.Pro22Leu).